The following is an entry in ClinVar:

ClinVar aggregate classification (germline): Uncertain significance. Review status: criteria provided, multiple submitters, no conflicts (2 of 4 stars). 2 submissions from 2 submitters: Uncertain significance (2). Last evaluated 2025-05-18.

Conditions:
SEMA3G-related disorder. Also called: SEMA3G-related condition.

gnomAD v4.1: 36 of 1,600,618 alleles (0.0022%); highest among the groups gnomAD compares: South Asian, 0.0044%; no homozygotes.

Submissions (2):

Ambry Genetics
Classification: Uncertain significance. Last evaluated: 2025-05-18. Review status: criteria provided, single submitter. Criteria: Ambry Variant Classification Scheme 2023. Collection method: clinical testing. Allele origin: germline.

PreventionGenetics, part of Exact Sciences
Classification: Uncertain significance for SEMA3G-related condition. Last evaluated: 2025-04-09. Review status: criteria provided, single submitter. Criteria: ACMG Guidelines, 2015. Collection method: clinical testing. Allele origin: germline.
Comment: The SEMA3G c.1192A>G variant is predicted to result in the amino acid substitution p.Lys398Glu. To our knowledge, this variant has not been reported in the literature. This variant is reported in 0.070% of alleles in individuals of Ashkenazi Jewish descent in gnomAD, which may be too frequent to be a primary cause of disease. Although we suspect that this variant may be benign, at this time, the clinical significance of this variant is uncertain due to the absence of conclusive functional and genetic evidence.

NM_020163.3(SEMA3G):c.1192A>G (p.Lys398Glu)

Gene: SEMA3G (semaphorin 3G; minus strand). Cytogenetic location: 3p21.1.
Variant type: single nucleotide variant.
Coding change: c.1192A>G on transcript NM_020163.3 (MANE Select); coding-DNA position 1192, A replaced by G.
Protein change: p.Lys398Glu; replaces lysine 398 with glutamic acid.
Molecular consequence: missense variant.
Genome position (GRCh38, 1-based): chr3:52,440,050, T>C on the plus strand (A>G on the coding strand, the complement: SEMA3G is on the minus strand). VCF-style: chr3-52440050-T-C. GRCh37 (hg19) VCF-style: chr3-52474066-T-C.
Other names: c.1192A>G (NM_020163.2); short protein forms K398E.
Identifiers: ClinVar variation 3952094 (VCV003952094.2).